The following is an entry in ClinVar:

ClinVar aggregate classification (germline): Uncertain significance (1 of 4 stars; one submission).

Allele frequency attached by ClinVar (database versions not stated): gnomAD exomes below 0.00001; TOPMed below 0.00001; gnomAD 0.00001 and 0.00002.

Submission:

Labcorp Genetics (formerly Invitae), Labcorp
Classification: Uncertain significance. Last evaluated: 2022-08-01. Review status: criteria provided, single submitter. Criteria: Invitae Variant Classification Sherloc (09022015). Collection method: clinical testing. Allele origin: germline.
Comment: In summary, the available evidence is currently insufficient to determine the role of this variant in disease. Therefore, it has been classified as a Variant of Uncertain Significance. Algorithms developed to predict the effect of missense changes on protein structure and function are either unavailable or do not agree on the potential impact of this missense change (SIFT: "Deleterious"; PolyPhen-2: "Possibly Damaging"; Align-GVGD: "Class C0"). ClinVar contains an entry for this variant (Variation ID: 1496640). This variant has not been reported in the literature in individuals affected with GPR143-related conditions. This variant is not present in population databases (gnomAD no frequency). This sequence change replaces cysteine, which is neutral and slightly polar, with tyrosine, which is neutral and polar, at codon 82 of the GPR143 protein (p.Cys82Tyr).

NM_000273.3(GPR143):c.245G>A (p.Cys82Tyr)

Gene: GPR143 (G protein-coupled receptor 143; minus strand). Cytogenetic location: Xp22.2.
Variant type: single nucleotide variant.
Coding change: c.245G>A on transcript NM_000273.3 (MANE Select); coding-DNA position 245, G replaced by A.
Protein change: p.Cys82Tyr; replaces cysteine 82 with tyrosine.
Molecular consequence: missense variant.
Genome position (GRCh38, 1-based): chrX:9,765,573, C>T on the plus strand (G>A on the coding strand, the complement: GPR143 is on the minus strand). VCF-style: chrX-9765573-C-T. GRCh37 (hg19) VCF-style: chrX-9733613-C-T.
Other names: short protein forms C82Y.
Identifiers: ClinVar variation 1496640 (VCV001496640.5), dbSNP rs1778451268, ClinGen allele CA412000343.
Genomic context (GRCh38, chrX:9,765,573, plus strand): 5'-CGCCCTCACCCAGGCGCTGATCAGATTCCAACCCGCGGGCCGCGCGCGCCCTTACCCAGG[C>T]AGCCGAGAAGGTCGCAGGCAGCGGCAGCGCGCAGGATGCGGACCGAGGCCGGCGGGGACG-3'
Protein context (NP_000264.2, residues 72-92): RAAAACDLLG[Cys82Tyr]LGMVIRSTVW